The following is an entry in ClinVar:

NM_022436.3(ABCG5):c.975A>G (p.Ile325Met)

Genes: ABCG5 (ATP binding cassette subfamily G member 5; minus strand), DYNC2LI1 (dynein cytoplasmic 2 light intermediate chain 1; plus strand). Cytogenetic location: 2p21.
Variant type: single nucleotide variant.
Coding change: c.975A>G on transcript NM_022436.3 (MANE Select); coding-DNA position 975, A replaced by G.
Protein change: p.Ile325Met; replaces isoleucine 325 with methionine.
Molecular consequence: missense variant. On other transcripts: intron variant (2).
Genome position (GRCh38, 1-based): chr2:43,824,362, T>C on the plus strand (A>G on the coding strand, the complement: ABCG5 is on the minus strand). VCF-style: chr2-43824362-T-C. GRCh37 (hg19) VCF-style: chr2-44051501-T-C.
Other names: c.*16-3024T>C (NM_001348913.2, NM_001348912.2); short protein forms I325M.
Identifiers: ClinVar variation 1376001 (VCV001376001.9), dbSNP rs1296464024, ClinGen allele CA346664778.

ClinVar aggregate classification (germline): Uncertain significance. Review status: criteria provided, multiple submitters, no conflicts (2 of 4 stars). 2 submissions from 2 submitters: Uncertain significance (2). Last evaluated 2023-09-14.

Conditions:
Cardiovascular phenotype. Identifiers: MedGen CN230736.
Sitosterolemia (STSL). Also called: PHYTOSTEROLEMIA. Identifiers: Orphanet 2882, MedGen C0342907, MONDO:0008863.

Allele frequency attached by ClinVar (database versions not stated): gnomAD 0.00001; gnomAD exomes 0.00001; TOPMed 0.00001.
gnomAD v4.1: 13 of 1,614,112 alleles (0.00081%); highest among the groups gnomAD compares: Non-Finnish European, 0.0011%; no homozygotes.

Submissions (2):

Ambry Genetics
Classification: Uncertain significance for Cardiovascular phenotype. Last evaluated: 2023-09-14. Review status: criteria provided, single submitter. Criteria: Ambry Variant Classification Scheme 2023. Collection method: clinical testing. Allele origin: germline.
Comment: The p.I325M variant (also known as c.975A>G), located in coding exon 8 of the ABCG5 gene, results from an A to G substitution at nucleotide position 975. The isoleucine at codon 325 is replaced by methionine, an amino acid with highly similar properties. This amino acid position is conserved. In addition, this alteration is predicted to be tolerated by in silico analysis. Since supporting evidence is limited at this time, the clinical significance of this alteration remains unclear.

Labcorp Genetics (formerly Invitae), Labcorp
Classification: Uncertain significance for Sitosterolemia. Last evaluated: 2021-05-19. Review status: criteria provided, single submitter. Criteria: Invitae Variant Classification Sherloc (09022015). Collection method: clinical testing. Allele origin: germline.
Comment: This sequence change replaces isoleucine with methionine at codon 325 of the ABCG5 protein (p.Ile325Met). The isoleucine residue is highly conserved and there is a small physicochemical difference between isoleucine and methionine. This variant is not present in population databases (ExAC no frequency). This variant has not been reported in the literature in individuals with ABCG5-related conditions. Algorithms developed to predict the effect of missense changes on protein structure and function are either unavailable or do not agree on the potential impact of this missense change (SIFT: "Deleterious"; PolyPhen-2: "Possibly Damaging"; Align-GVGD: "Class C0"). In summary, the available evidence is currently insufficient to determine the role of this variant in disease. Therefore, it has been classified as a Variant of Uncertain Significance.